The following is an entry in ClinVar:

ClinVar aggregate classification (germline): Likely benign (1 of 4 stars; one submission).

Submission:

CeGaT Center for Human Genetics Tuebingen
Classification: Likely benign. Last evaluated: 2022-09-01. Review status: criteria provided, single submitter. Criteria: CeGaT Center For Human Genetics Tuebingen Variant Classification Criteria Version 2. Collection method: clinical testing. Allele origin: germline. Affected: yes. Observed: 1 variant allele.
Comment: ERVV-1: BP4

NM_152473.3(ERVV-1):c.158G>A (p.Arg53Lys)

Gene: ERVV-1 (endogenous retrovirus group V member 1, envelope; plus strand). Cytogenetic location: 19q13.41.
Variant type: single nucleotide variant.
Coding change: c.158G>A on transcript NM_152473.3 (MANE Select); coding-DNA position 158, G replaced by A.
Protein change: p.Arg53Lys; replaces arginine 53 with lysine.
Molecular consequence: missense variant.
Genome position (GRCh38, 1-based): chr19:53,014,248, G>A. VCF-style: chr19-53014248-G-A. GRCh37 (hg19) VCF-style: chr19-53517501-G-A.
Other names: short protein forms R53K.
Identifiers: ClinVar variation 2650403 (VCV002650403.24), dbSNP rs755153923, ClinGen allele CA9630070.